The following is an entry in ClinVar:

NM_018398.3(CACNA2D3):c.322-9_322-3dup

Gene: CACNA2D3 (calcium voltage-gated channel auxiliary subunit alpha2delta 3; plus strand). Cytogenetic location: 3p21.1.
Variant type: Duplication.
Coding change: c.322-9_322-3dup on transcript NM_018398.3 (MANE Select); 9 bases into the intron before coding-DNA position 322 through 3 bases into the intron before coding-DNA position 322, 7 bases duplicated (TTTTTTT; older notation c.322-9_322-3dupTTTTTTT).
Molecular consequence: intron variant.
Genome position (GRCh38, 1-based): chr3:54,386,706-54,386,712, TTTTTTT duplicated; duplicating any 7 consecutive bases within chr3:54,386,695-54,386,712 gives the same sequence; the c. name uses the placement nearest the transcript's 3' end. VCF-style (leftmost placement, unchanged base first): chr3-54386694-G-GTTTTTTT. GRCh37 (hg19) VCF-style: chr3-54420721-G-GTTTTTTT.
Identifiers: ClinVar variation 3357117 (VCV003357117.1).
Genomic context (GRCh38, chr3:54,386,694, plus strand): 5'-CTTTTGGTCAATGGAGAAATGGGGTTCAGGCCACAATTCTGATCCTTAATGCTGTCTTCT[G>GTTTTTTT]TTTTTTTTTTTTTTTTTTAGCGTCTGGTGGAGGCTGCAGAAGAAGCACACCTGAAACATG-3'

ClinVar aggregate classification (germline): Likely benign (0 of 4 stars; one submission).

Conditions:
CACNA2D3-related disorder. Also called: CACNA2D3-related condition.

Submission:

PreventionGenetics, part of Exact Sciences
Classification: Likely benign for CACNA2D3-related condition. Last evaluated: 2020-02-20. Review status: no assertion criteria provided. Collection method: clinical testing. Allele origin: germline.
Comment: This variant is classified as likely benign based on ACMG/AMP sequence variant interpretation guidelines (Richards et al. 2015 PMID: 25741868, with internal and published modifications).